The following is an entry in ClinVar:

NM_005996.4(TBX3):c.389+1G>A

Genes: TBX3 (T-box transcription factor 3; minus strand), TBX3-AS1 (TBX3 antisense RNA 1; plus strand). Cytogenetic location: 12q24.21.
Variant type: single nucleotide variant.
Coding change: c.389+1G>A on transcript NM_005996.4 (MANE Select); the canonical splice donor site of the intron after coding-DNA position 389, G replaced by A.
Molecular consequence: splice donor variant.
Genome position (GRCh38, 1-based): chr12:114,682,811, C>T on the plus strand (G>A on the coding strand, the complement: TBX3 is on the minus strand). VCF-style: chr12-114682811-C-T. GRCh37 (hg19) VCF-style: chr12-115120616-C-T.
Other names: c.389+1G>A (NM_016569.4).
Identifiers: ClinVar variation 4071573 (VCV004071573.1).

ClinVar aggregate classification (germline): Pathogenic (1 of 4 stars; one submission).

Submission:

GeneDx
Classification: Pathogenic. Last evaluated: 2025-01-23. Review status: criteria provided, single submitter. Criteria: GeneDx Variant Classification Process June 2021. Collection method: clinical testing. Allele origin: germline. Affected: yes.
Comment: Canonical splice site variant predicted to result in a null allele in a gene for which loss of function is a known mechanism of disease; Not observed at significant frequency in large population cohorts (gnomAD); Has not been previously published as pathogenic or benign to our knowledge